The following is an entry in ClinVar:

NM_024721.5(ZFHX4):c.4653C>T (p.Thr1551=)

Gene: ZFHX4 (zinc finger homeobox 4; plus strand). Cytogenetic location: 8q21.13.
Variant type: single nucleotide variant.
Coding change: c.4653C>T on transcript NM_024721.5 (MANE Select); coding-DNA position 4653, C replaced by T.
Protein change: p.Thr1551=; no amino-acid change (threonine 1551 retained).
Molecular consequence: synonymous variant.
Genome position (GRCh38, 1-based): chr8:76,851,574, C>T. VCF-style: chr8-76851574-C-T. GRCh37 (hg19) VCF-style: chr8-77763810-C-T.
Other names: c.4575C>T, p.Thr1525= (NM_001410934.1).
Identifiers: ClinVar variation 5040553 (VCV005040553.1).

ClinVar aggregate classification (germline): Likely benign (1 of 4 stars; one submission).

gnomAD v4.1: 7 of 1,613,836 alleles (0.00043%); highest among the groups gnomAD compares: Admixed American, 0.01%; no homozygotes.

Submission:

CeGaT Center for Human Genetics Tuebingen
Classification: Likely benign. Last evaluated: 2026-08-01. Review status: criteria provided, single submitter. Criteria: CeGaT Center For Human Genetics Tuebingen Variant Classification Criteria Version 2. Collection method: clinical testing. Allele origin: germline. Affected: yes. Observed: 1 variant allele.
Comment: ZFHX4: BP4, BP7